The following is an entry in ClinVar:

NM_005465.7(AKT3):c.149C>G (p.Pro50Arg)

Gene: AKT3 (AKT serine/threonine kinase 3; minus strand). Cytogenetic location: 1q44.
Variant type: single nucleotide variant.
Coding change: c.149C>G on transcript NM_005465.7 (MANE Select); coding-DNA position 149, C replaced by G.
Protein change: p.Pro50Arg; replaces proline 50 with arginine.
Molecular consequence: missense variant.
Genome position (GRCh38, 1-based): chr1:243,695,614, G>C on the plus strand (C>G on the coding strand, the complement: AKT3 is on the minus strand). VCF-style: chr1-243695614-G-C. GRCh37 (hg19) VCF-style: chr1-243858916-G-C.
Other names: c.149C>G, p.Pro50Arg (NM_001206729.2, NM_001370074.1, NM_181690.2); short protein forms P50R.
Identifiers: ClinVar variation 4995560 (VCV004995560.1).

ClinVar aggregate classification (germline): Uncertain significance (1 of 4 stars; one submission).

Conditions:
AKT3-related disorder. Also called: AKT3-related condition.

Submission:

PreventionGenetics, part of Exact Sciences
Classification: Uncertain significance for AKT3-related condition. Last evaluated: 2025-12-28. Review status: criteria provided, single submitter. Criteria: ACMG Guidelines, 2015. Collection method: clinical testing. Allele origin: germline.
Comment: The AKT3 c.149C>G variant is predicted to result in the amino acid substitution p.Pro50Arg. To our knowledge, this variant has not been reported in the literature or in a large population database (gnomAD), indicating this variant is rare. At this time, the clinical significance of this variant is uncertain due to the absence of conclusive functional and genetic evidence.